The following is an entry in ClinVar:

ClinVar aggregate classification (germline): Uncertain significance. Review status: criteria provided, multiple submitters, no conflicts (2 of 4 stars). 3 submissions from 3 submitters: Uncertain significance (3). Last evaluated 2026-05-14.

Conditions:
Hereditary cancer-predisposing syndrome. Also called: Tumor predisposition; Hereditary Cancer Syndrome; Hereditary neoplastic syndrome; Neoplastic Syndromes, Hereditary. Identifiers: Orphanet 140162, MedGen C0027672, MeSH D009386, MONDO:0015356.
Meningioma. Also called: Meningioma, somatic. Identifiers: Orphanet 2495, MedGen C0025286, MONDO:0016642, HP:0002858.
Neurofibromatosis, type 2 (SWNV). Also called: SCHWANNOMATOSIS, VESTIBULAR; NF2-Related Schwannomatosis; BILATERAL ACOUSTIC NEUROFIBROMATOSIS. Identifiers: Orphanet 637, MedGen C0027832, MONDO:0007039, OMIM 101000. Disease mechanism: loss of function.

Submissions (3):

Ambry Genetics
Classification: Uncertain significance for Hereditary cancer-predisposing syndrome. Last evaluated: 2026-05-14. Review status: criteria provided, single submitter. Criteria: Ambry Variant Classification Scheme 2023. Collection method: clinical testing. Allele origin: germline.
Comment: The p.K531N variant (also known as c.1593G>C), located in coding exon 15 of the NF2 gene, results from a G to C substitution at nucleotide position 1593. The lysine at codon 531 is replaced by asparagine, an amino acid with similar properties. This amino acid position is conserved. In addition, this alteration is predicted to be tolerated by in silico analysis. Based on the available evidence, the clinical significance of this variant remains unclear.

Labcorp Genetics (formerly Invitae), Labcorp
Classification: Uncertain significance for Neurofibromatosis, type 2. Last evaluated: 2025-11-03. Review status: criteria provided, single submitter. Criteria: Invitae Variant Classification Sherloc (09022015). Collection method: clinical testing. Allele origin: germline.
Comment: This sequence change replaces lysine, which is basic and polar, with asparagine, which is neutral and polar, at codon 531 of the NF2 protein (p.Lys531Asn). This variant is not present in population databases (gnomAD no frequency). This variant has not been reported in the literature in individuals affected with NF2-related conditions. ClinVar contains an entry for this variant (Variation ID: 2135982). Invitae Evidence Modeling of protein sequence and biophysical properties (such as structural, functional, and spatial information, amino acid conservation, physicochemical variation, residue mobility, and thermodynamic stability) indicates that this missense variant is expected to disrupt NF2 protein function with a positive predictive value of 80%. In summary, the available evidence is currently insufficient to determine the role of this variant in disease. Therefore, it has been classified as a Variant of Uncertain Significance.

Institute of Medical Genetics and Applied Genomics, University Hospital Tübingen
Classification: Uncertain significance for Meningioma. Last evaluated: 2023-01-25. Review status: criteria provided, single submitter. Criteria: ACMG Guidelines, 2015. Collection method: clinical testing. Allele origin: germline. Inheritance: Autosomal dominant inheritance. Affected: yes.

NM_000268.4(NF2):c.1593G>C (p.Lys531Asn)

Gene: NF2 (NF2, moesin-ezrin-radixin like (MERLIN) tumor suppressor; plus strand). Cytogenetic location: 22q12.2.
Variant type: single nucleotide variant.
Coding change: c.1593G>C on transcript NM_000268.4 (MANE Select); coding-DNA position 1593, G replaced by C.
Protein change: p.Lys531Asn; replaces lysine 531 with asparagine.
Molecular consequence: missense variant. On other transcripts: non-coding transcript variant (1), intron variant (1).
Genome position (GRCh38, 1-based): chr22:29,681,457, G>C. VCF-style: chr22-29681457-G-C. GRCh37 (hg19) VCF-style: chr22-30077446-G-C.
Other names: c.1479G>C, p.Lys493Asn (NM_001407053.1, NM_001407056.1); c.1470G>C, p.Lys490Asn (NM_001407054.1, NM_001407058.1, NM_181829.3); c.1467G>C, p.Lys489Asn (NM_001407055.1, NM_181828.3); c.1458G>C, p.Lys486Asn (NM_001407057.1, NM_001407059.1); c.1335G>C, p.Lys445Asn (NM_001407062.1); c.1344G>C, p.Lys448Asn (NM_001407063.1, NM_181830.3, NM_181831.3); c.1059G>C, p.Lys353Asn (NM_001407065.1); c.1593G>C, p.Lys531Asn (NM_001407066.1, NM_016418.5, NM_181825.3 and 1 more transcripts); and 2 more; short protein forms K489N, K486N, K445N, K448N, K493N, K531N, K353N, K454N.
Identifiers: ClinVar variation 2135982 (VCV002135982.3), dbSNP rs2518733978, ClinGen allele CA411150029.
Genomic context (GRCh38, chr22:29,681,457, plus strand): 5'-TGTCTGCCCAAGCCCTGATGCATGATACCCTCTTGCCGGCAGAGTGGAATACATGGAAAA[G>C]AGCAAGCATCTGCAGGAGCAGCTCAATGAACTCAAGACAGAAATCGAGGCCTTGAAACTG-3'
Protein context (NP_000259.1, residues 521-541): IEKEKVEYME[Lys531Asn]SKHLQEQLNE